The following is an entry in ClinVar:

ClinVar aggregate classification (germline): Uncertain significance (1 of 4 stars; one submission).

gnomAD v4.1: 2 of 1,613,678 alleles (0.00012%); highest among the groups gnomAD compares: Non-Finnish European, 0.00017%; no homozygotes.

Submission:

GeneDx
Classification: Uncertain significance. Last evaluated: 2026-03-17. Review status: criteria provided, single submitter. Criteria: GeneDx Variant Classification Process June 2021. Collection method: clinical testing. Allele origin: germline.
Comment: Has not been previously published as pathogenic or benign to our knowledge; Not observed at significant frequency in large population cohorts (gnomAD); In silico analysis suggests that this missense variant does not alter protein structure/function; Does not affect a cysteine or calcium-binding residue within an EGF-like domain or a TGF-binding protein domain of the FBN1 gene; cysteine substitutions in the EGF-like domains represent the majority of pathogenic missense changes associated with FBN1-related disorders (PMID: 12938084); This variant is associated with the following publications: (PMID: 12938084)

NM_000138.5(FBN1):c.5266G>T (p.Val1756Phe)

Gene: FBN1 (fibrillin 1; minus strand). Cytogenetic location: 15q21.1.
Variant type: single nucleotide variant.
Coding change: c.5266G>T on transcript NM_000138.5 (MANE Select); coding-DNA position 5266, G replaced by T.
Protein change: p.Val1756Phe; replaces valine 1756 with phenylalanine.
Molecular consequence: missense variant.
Genome position (GRCh38, 1-based): chr15:48,460,276, C>A on the plus strand (G>T on the coding strand, the complement: FBN1 is on the minus strand). VCF-style: chr15-48460276-C-A. GRCh37 (hg19) VCF-style: chr15-48752473-C-A.
Other names: c.5266G>T, p.Val1756Phe (NM_001406716.1); short protein forms V1756F.
Identifiers: ClinVar variation 4975701 (VCV004975701.1).
Genomic context (GRCh38, chr15:48,460,276, plus strand): 5'-GAAAGTTCTGACAATGCCGTCATGACTCACCAACGGGTAAACCGGTATAAATGTCGATGA[C>A]AAAGCCTGGCCTTTGACTTCCACAGAGTGTAGCAAACTCATCTGCAATGATTAAACAAAG-3'
Protein context (NP_000129.3, residues 1746-1766): TLCGSQRPGF[Val1756Phe]IDIYTGLPVD